The following is an entry in ClinVar:

ClinVar aggregate classification (germline): Likely pathogenic (1 of 4 stars; one submission).

Conditions:
Thrombophilia, X-linked, due to factor 9 defect. Identifiers: MedGen C2749016, MONDO:0010432, OMIM 300807.
Hereditary factor IX deficiency disease (HEMB). Also called: PLASMA THROMBOPLASTIN COMPONENT DEFICIENCY; Hemophilia B; F9 DEFICIENCY; FACTOR IX DEFICIENCY; Christmas Disease. Identifiers: Orphanet 98879, MedGen C0008533, MeSH D002836, MONDO:0010604, OMIM 306900.

Submission:

Labcorp Genetics (formerly Invitae), Labcorp
Classification: Likely pathogenic for Thrombophilia, X-linked, due to factor 9 defect; Hereditary factor IX deficiency disease. Last evaluated: 2025-10-23. Review status: criteria provided, single submitter. Criteria: Invitae Variant Classification Sherloc (09022015). Collection method: clinical testing. Allele origin: germline.
Comment: This sequence change replaces cysteine, which is neutral and slightly polar, with arginine, which is basic and polar, at codon 128 of the F9 protein (p.Cys128Arg). This variant is not present in population databases (gnomAD no frequency). This missense change has been observed in individuals with hemophilia B (PMID: 40191713; internal data). ClinVar contains an entry for this variant (Variation ID: 2131311). Invitae Evidence Modeling of protein sequence and biophysical properties (such as structural, functional, and spatial information, amino acid conservation, physicochemical variation, residue mobility, and thermodynamic stability) has been performed for this missense variant. However, the output from this modeling did not meet the statistical confidence thresholds required to predict the impact of this variant on F9 protein function. This variant disrupts the p.Cys128 amino acid residue in F9. Other variant(s) that disrupt this residue have been observed in individuals with F9-related conditions (PMID: 11013449, 12709378, 32875744; internal data), which suggests that this may be a clinically significant amino acid residue. In summary, the currently available evidence indicates that the variant is pathogenic, but additional data are needed to prove that conclusively. Therefore, this variant has been classified as Likely Pathogenic.

Literature cited by the submitters: PubMed 40191713; PubMed 11013449; PubMed 12709378; PubMed 32875744.

NM_000133.4(F9):c.382T>C (p.Cys128Arg)

Gene: F9 (coagulation factor IX; plus strand). Cytogenetic location: Xq27.1.
Variant type: single nucleotide variant.
Coding change: c.382T>C on transcript NM_000133.4 (MANE Select); coding-DNA position 382, T replaced by C.
Protein change: p.Cys128Arg; replaces cysteine 128 with arginine.
Molecular consequence: missense variant. On other transcripts: intron variant (1).
Genome position (GRCh38, 1-based): chrX:139,541,180, T>C. VCF-style: chrX-139541180-T-C. GRCh37 (hg19) VCF-style: chrX-138623339-T-C.
Other names: c.277+3794T>C (NM_001313913.2); short protein forms C128R.
Identifiers: ClinVar variation 2131311 (VCV002131311.4), dbSNP rs2520763530, ClinGen allele CA414437950.